The following is an entry in ClinVar:

NM_006231.4(POLE):c.2648T>C (p.Val883Ala)

Gene: POLE (DNA polymerase epsilon, catalytic subunit; minus strand). Cytogenetic location: 12q24.33.
Variant type: single nucleotide variant.
Coding change: c.2648T>C on transcript NM_006231.4 (MANE Select); coding-DNA position 2648, T replaced by C.
Protein change: p.Val883Ala; replaces valine 883 with alanine.
Molecular consequence: missense variant.
Genome position (GRCh38, 1-based): chr12:132,664,062, A>G on the plus strand (T>C on the coding strand, the complement: POLE is on the minus strand). VCF-style: chr12-132664062-A-G. GRCh37 (hg19) VCF-style: chr12-133240648-A-G.
Other names: short protein forms V883A.
Identifiers: ClinVar variation 540776 (VCV000540776.11), dbSNP rs1555226430, ClinGen allele CA387395425.

ClinVar aggregate classification (germline): Conflicting classifications of pathogenicity. Review status: criteria provided, conflicting classifications (1 of 4 stars). 2 submissions from 2 submitters: Uncertain significance (1); Likely benign (1). Last evaluated 2025-02-27.

Conditions:
Hereditary cancer-predisposing syndrome. Also called: Neoplastic Syndromes, Hereditary; Hereditary Cancer Syndrome; Hereditary neoplastic syndrome; Tumor predisposition. Identifiers: Orphanet 140162, MedGen C0027672, MeSH D009386, MONDO:0015356.

Allele frequency attached by ClinVar (database versions not stated): gnomAD exomes below 0.00001.
gnomAD v4.1: 2 of 1,614,228 alleles (0.00012%); highest among the groups gnomAD compares: Non-Finnish European, 0.00017%; no homozygotes.

Submissions (2):

Labcorp Genetics (formerly Invitae), Labcorp
Classification: Uncertain significance. Last evaluated: 2025-02-27. Review status: criteria provided, single submitter. Criteria: Invitae Variant Classification Sherloc (09022015). Collection method: clinical testing. Allele origin: germline.
Comment: This sequence change replaces valine, which is neutral and non-polar, with alanine, which is neutral and non-polar, at codon 883 of the POLE protein (p.Val883Ala). This variant is not present in population databases (gnomAD no frequency). This variant has not been reported in the literature in individuals affected with POLE-related conditions. ClinVar contains an entry for this variant (Variation ID: 540776). Invitae Evidence Modeling of protein sequence and biophysical properties (such as structural, functional, and spatial information, amino acid conservation, physicochemical variation, residue mobility, and thermodynamic stability) indicates that this missense variant is not expected to disrupt POLE protein function with a negative predictive value of 80%. In summary, the available evidence is currently insufficient to determine the role of this variant in disease. Therefore, it has been classified as a Variant of Uncertain Significance.

Ambry Genetics
Classification: Likely benign for Hereditary cancer-predisposing syndrome. Last evaluated: 2022-04-19. Review status: criteria provided, single submitter. Criteria: Ambry Variant Classification Scheme 2023. Collection method: clinical testing. Allele origin: germline.